The following is an entry in ClinVar:

NM_000088.4(COL1A1):c.2621C>T (p.Thr874Ile)

Gene: COL1A1 (collagen type I alpha 1 chain; minus strand). Cytogenetic location: 17q21.33.
Variant type: single nucleotide variant.
Coding change: c.2621C>T on transcript NM_000088.4 (MANE Select); coding-DNA position 2621, C replaced by T.
Protein change: p.Thr874Ile; replaces threonine 874 with isoleucine.
Molecular consequence: missense variant.
Genome position (GRCh38, 1-based): chr17:50,189,725, G>A on the plus strand (C>T on the coding strand, the complement: COL1A1 is on the minus strand). VCF-style: chr17-50189725-G-A. GRCh37 (hg19) VCF-style: chr17-48267086-G-A.
Other names: short protein forms T874I.
Identifiers: ClinVar variation 3672931 (VCV003672931.2).

ClinVar aggregate classification (germline): Uncertain significance (1 of 4 stars; one submission).

Conditions:
Osteogenesis imperfecta type I (OI1). Also called: OI, TYPE I; OSTEOGENESIS IMPERFECTA TARDA; OSTEOGENESIS IMPERFECTA WITH BLUE SCLERAE; Osteogenesis imperfecta type 1; Lobstein's Disease; Lobstein disease. Identifiers: Orphanet 216796, Orphanet 666, MedGen C0023931, MONDO:0008146, OMIM 166200. Disease mechanism: loss of function.

Submission:

Labcorp Genetics (formerly Invitae), Labcorp
Classification: Uncertain significance for Osteogenesis imperfecta type I. Last evaluated: 2024-06-10. Review status: criteria provided, single submitter. Criteria: Invitae Variant Classification Sherloc (09022015). Collection method: clinical testing. Allele origin: germline.
Comment: This sequence change replaces threonine, which is neutral and polar, with isoleucine, which is neutral and non-polar, at codon 874 of the COL1A1 protein (p.Thr874Ile). This variant is not present in population databases (gnomAD no frequency). This variant has not been reported in the literature in individuals affected with COL1A1-related conditions. Advanced modeling of protein sequence and biophysical properties (such as structural, functional, and spatial information, amino acid conservation, physicochemical variation, residue mobility, and thermodynamic stability) performed at Invitae indicates that this missense variant is expected to disrupt COL1A1 protein function with a positive predictive value of 95%. In summary, the available evidence is currently insufficient to determine the role of this variant in disease. Therefore, it has been classified as a Variant of Uncertain Significance.